The following is an entry in ClinVar:

ClinVar aggregate classification (germline): Uncertain significance (1 of 4 stars; one submission).

Conditions:
Hereditary cancer-predisposing syndrome. Also called: Neoplastic Syndromes, Hereditary; Tumor predisposition; Hereditary Cancer Syndrome; Hereditary neoplastic syndrome. Identifiers: Orphanet 140162, MedGen C0027672, MeSH D009386, MONDO:0015356.

Submission:

Ambry Genetics
Classification: Uncertain significance for Hereditary cancer-predisposing syndrome. Last evaluated: 2026-06-06. Review status: criteria provided, single submitter. Criteria: Ambry Variant Classification Scheme 2023. Collection method: clinical testing. Allele origin: germline.
Comment: The p.E375D variant (also known as c.1125G>C), located in coding exon 8 of the POLD1 gene, results from a G to C substitution at nucleotide position 1125. The glutamic acid at codon 375 is replaced by aspartic acid, an amino acid with highly similar properties. This amino acid position is conserved. In addition, this alteration is predicted to be tolerated by in silico analysis. Based on the available evidence, the clinical significance of this variant remains unclear.

NM_002691.4(POLD1):c.1125G>C (p.Glu375Asp)

Gene: POLD1 (DNA polymerase delta 1, catalytic subunit; plus strand). Cytogenetic location: 19q13.33.
Variant type: single nucleotide variant.
Coding change: c.1125G>C on transcript NM_002691.4 (MANE Select); coding-DNA position 1125, G replaced by C.
Protein change: p.Glu375Asp; replaces glutamic acid 375 with aspartic acid.
Molecular consequence: missense variant. On other transcripts: non-coding transcript variant (1).
Genome position (GRCh38, 1-based): chr19:50,403,207, G>C. VCF-style: chr19-50403207-G-C. GRCh37 (hg19) VCF-style: chr19-50906464-G-C.
Other names: c.1125G>C, p.Glu375Asp (NM_001256849.1, NM_001308632.1, NM_001438210.1 and 3 more transcripts); short protein forms E375D.
Identifiers: ClinVar variation 4862210 (VCV004862210.1).